The following is an entry in ClinVar:

NM_174936.4(PCSK9):c.1574G>A (p.Arg525Lys)

Gene: PCSK9 (proprotein convertase subtilisin/kexin type 9; plus strand). Cytogenetic location: 1p32.3.
Variant type: single nucleotide variant.
Coding change: c.1574G>A on transcript NM_174936.4 (MANE Select); coding-DNA position 1574, G replaced by A.
Protein change: p.Arg525Lys; replaces arginine 525 with lysine.
Molecular consequence: missense variant. On other transcripts: non-coding transcript variant (7), intron variant (1).
Genome position (GRCh38, 1-based): chr1:55,059,556, G>A. VCF-style: chr1-55059556-G-A. GRCh37 (hg19) VCF-style: chr1-55525229-G-A.
Other names: c.1697G>A, p.Arg566Lys (NM_001407240.1); c.1616G>A, p.Arg539Lys (NM_001407241.1); c.1577G>A, p.Arg526Lys (NM_001407242.1); c.1517G>A, p.Arg506Lys (NM_001407243.1); c.1400G>A, p.Arg467Lys (NM_001407244.1); c.1382G>A, p.Arg461Lys (NM_001407245.1); c.1199G>A, p.Arg400Lys (NM_001407246.1); c.1181-1819G>A (NM_001407247.1); short protein forms R525K, R506K, R400K, R461K, R467K, R526K, R539K, R566K.
Identifiers: ClinVar variation 2774062 (VCV002774062.2), dbSNP rs140286279, ClinGen allele CA340479884.

ClinVar aggregate classification (germline): Uncertain significance (1 of 4 stars; one submission).

Conditions:
Familial hypercholesterolemia. Also called: Familial hypercholesterolaemia. Identifiers: MedGen C0020445, MONDO:0005439.

Submission:

Color Diagnostics, LLC DBA Color Health
Classification: Uncertain significance for Familial hypercholesterolemia. Last evaluated: 2024-03-06. Review status: criteria provided, single submitter. Criteria: ACMG Guidelines, 2015. Collection method: clinical testing. Allele origin: germline.
Comment: This missense variant replaces arginine with lysine at codon 525 of the PCSK9 protein. Computational prediction is inconclusive regarding the impact of this variant on protein structure and function (internally defined REVEL score threshold 0.5 < inconclusive < 0.7, PMID: 27666373). To our knowledge, functional studies have not been reported for this variant. This variant has not been reported in individuals affected with familial hypercholesterolemia in the literature. This variant has not been identified in the general population by the Genome Aggregation Database (gnomAD). The available evidence is insufficient to determine the role of this variant in disease conclusively. Therefore, this variant is classified as a Variant of Uncertain Significance.